The following is an entry in ClinVar:

NM_000018.4(ACADVL):c.1043T>C (p.Leu348Pro)

Gene: ACADVL (acyl-CoA dehydrogenase very long chain; plus strand). Cytogenetic location: 17p13.1.
Variant type: single nucleotide variant.
Coding change: c.1043T>C on transcript NM_000018.4 (MANE Select); coding-DNA position 1043, T replaced by C.
Protein change: p.Leu348Pro; replaces leucine 348 with proline.
Molecular consequence: missense variant.
Genome position (GRCh38, 1-based): chr17:7,222,831, T>C. VCF-style: chr17-7222831-T-C. GRCh37 (hg19) VCF-style: chr17-7126150-T-C.
Other names: c.1043T>C (NM_000018.3); c.977T>C, p.Leu326Pro (NM_001033859.3); c.1112T>C, p.Leu371Pro (NM_001270447.2); c.815T>C, p.Leu272Pro (NM_001270448.2); short protein forms L272P, L371P, L326P, L348P.
Identifiers: ClinVar variation 2086579 (VCV002086579.2), dbSNP rs2071295465, ClinGen allele CA397724228.

ClinVar aggregate classification (germline): Uncertain significance. Review status: criteria provided, multiple submitters, no conflicts (2 of 4 stars). 3 submissions from 3 submitters: Uncertain significance (2). 1 of the submissions does not count toward it. Last evaluated 2024-09-01.

Conditions:
Very long chain acyl-CoA dehydrogenase deficiency (ACADVLD). Also called: Very Long-Chain Acyl-Coenzyme A Dehydrogenase Deficiency; VLCAD Deficiency. Identifiers: Orphanet 26793, MedGen C3887523, MONDO:0008723, OMIM 201475.

Allele frequency attached by ClinVar (database versions not stated): gnomAD 0.00001; TOPMed 0.00001.
gnomAD v4.1: 2 of 1,613,132 alleles (0.00012%); highest among the groups gnomAD compares: African/African-American, 0.0013%; no homozygotes.

Submissions (3):

Department of Genetics of Metabolic Diseases, Institute of Medical & Molecular Genetics, Hospital Universitario Hospital La Paz
Classification: Uncertain significance for Very long chain acyl-CoA dehydrogenase deficiency. Last evaluated: 2024-09-01. Review status: criteria provided, single submitter. Criteria: ACMG Guidelines, 2015. Collection method: clinical testing. Allele origin: germline. Inheritance: Autosomal recessive inheritance. Affected: yes.
Comment: The variant c.1043T>C p.(Leu348Pro) in the ACADVL gene is absent from controls in population databases and computational prediction tools support a deleterious effect on the gene. This variant has been observed in a newborn with NBS C14:1 levels >1,0 μmol/L and Follow-up plasma acylcarnitine analysis consistent with VLCADD, carrying this variant along with a second likely pathogenic variant without confirmation of phasing (PMID: Hidalgo Mayoral I et al., in press).

Labcorp Genetics (formerly Invitae), Labcorp
Classification: Uncertain significance for Very long chain acyl-CoA dehydrogenase deficiency. Last evaluated: 2022-01-16. Review status: criteria provided, single submitter. Criteria: Invitae Variant Classification Sherloc (09022015). Collection method: clinical testing. Allele origin: germline.
Comment: This sequence change replaces leucine, which is neutral and non-polar, with proline, which is neutral and non-polar, at codon 348 of the ACADVL protein (p.Leu348Pro). This variant is not present in population databases (gnomAD no frequency). This variant has not been reported in the literature in individuals affected with ACADVL-related conditions. Advanced modeling of protein sequence and biophysical properties (such as structural, functional, and spatial information, amino acid conservation, physicochemical variation, residue mobility, and thermodynamic stability) performed at Invitae indicates that this missense variant is expected to disrupt ACADVL protein function. In summary, the available evidence is currently insufficient to determine the role of this variant in disease. Therefore, it has been classified as a Variant of Uncertain Significance.

Natera, Inc.
Classification: Uncertain significance for Very long chain acyl-CoA dehydrogenase deficiency. Last evaluated: 2025-02-13. Review status: no assertion criteria provided. Collection method: clinical testing. Allele origin: germline. Not counted in ClinVar's aggregate classification.

Literature cited by the submitters: PubMed 41022664 (cited by Department of Genetics of Metabolic Diseases, Institute of Medical & Molecular Genetics, Hospital Universitario Hospital La Paz).